The following is an entry in ClinVar:

ClinVar aggregate classification (germline): Likely pathogenic (1 of 4 stars; one submission).

Conditions:
Neurodevelopmental disorder with hypotonia, brain anomalies, distinctive facies, and absent language. Also called: ReNU SYNDROME; RNU4-2-Related Neurodevelopmental Disorder; RNU4-2–Related Autosomal Dominant Neurodevelopmental Disorder. Identifiers: Orphanet 686488, MedGen C5935628, MONDO:0971172, OMIM 620851.

gnomAD v4.1: 1 of 152,104 alleles (0.00066%); highest among the groups gnomAD compares: African/African-American, 0.0024%; no homozygotes.

Submission:

Centre for Population Genomics, CPG
Classification: Likely pathogenic for RNU4-2-Related Neurodevelopmental Disorder. Last evaluated: 2026-02-11. Review status: criteria provided, single submitter. Criteria: Ellingford et al. (Genome Med. 2022). Collection method: research. Allele origin: germline. Inheritance: Autosomal recessive inheritance. Affected: yes. Observed: 3 variant alleles, 3 compound heterozygotes.
Comment: PM2_supp,PS3_supp,PM1,PM3

NR_003137.3(RNU4-2):n.7G>A

Genes: RNU4-2 (RNA, U4 small nuclear 2; minus strand), SIRT4 (sirtuin 4; plus strand). Cytogenetic location: 12q24.23.
Variant type: single nucleotide variant.
Molecular consequence: non-coding transcript variant (on NR_003137.3).
Genome position: GRCh38 VCF-style: chr12-120291897-C-T. GRCh37 (hg19) VCF-style: chr12-120729700-C-T.
Identifiers: ClinVar variation 4795814 (VCV004795814.1).